The following is an entry in ClinVar:

ClinVar aggregate classification (germline): Uncertain significance (1 of 4 stars; one submission).

Conditions:
Combined oxidative phosphorylation defect type 17. Also called: Combined oxidative phosphorylation deficiency 17. Identifiers: Orphanet 369913, MedGen C3809526, MONDO:0014190, OMIM 615440.

Allele frequency attached by ClinVar (database versions not stated): TOPMed below 0.00001; ExAC 0.00001; gnomAD 0.00001; gnomAD exomes 0.00001 and 0.00002.
gnomAD v4.1: 15 of 1,614,088 alleles (0.00093%); highest among the groups gnomAD compares: Non-Finnish European, 0.0013%; no homozygotes.

Submission:

Labcorp Genetics (formerly Invitae), Labcorp
Classification: Uncertain significance for Combined oxidative phosphorylation defect type 17. Last evaluated: 2021-08-20. Review status: criteria provided, single submitter. Criteria: Invitae Variant Classification Sherloc (09022015). Collection method: clinical testing. Allele origin: germline.
Comment: In summary, the available evidence is currently insufficient to determine the role of this variant in disease. Therefore, it has been classified as a Variant of Uncertain Significance. Algorithms developed to predict the effect of missense changes on protein structure and function are either unavailable or do not agree on the potential impact of this missense change (SIFT: "Tolerated"; PolyPhen-2: "Probably Damaging"; Align-GVGD: "Class C0"). This variant has not been reported in the literature in individuals with ELAC2-related conditions. This variant is present in population databases (rs747959167, ExAC 0.002%). This sequence change replaces glutamine with histidine at codon 182 of the ELAC2 protein (p.Gln182His). The glutamine residue is moderately conserved and there is a small physicochemical difference between glutamine and histidine.

NM_018127.7(ELAC2):c.546G>C (p.Gln182His)

Gene: ELAC2 (elaC ribonuclease Z 2; minus strand). Cytogenetic location: 17p12.
Variant type: single nucleotide variant.
Coding change: c.546G>C on transcript NM_018127.7 (MANE Select); coding-DNA position 546, G replaced by C.
Protein change: p.Gln182His; replaces glutamine 182 with histidine.
Molecular consequence: missense variant.
Genome position (GRCh38, 1-based): chr17:13,013,220, C>G on the plus strand (G>C on the coding strand, the complement: ELAC2 is on the minus strand). VCF-style: chr17-13013220-C-G. GRCh37 (hg19) VCF-style: chr17-12916537-C-G.
Other names: c.546G>C, p.Gln182His (NM_001165962.2, NM_173717.2); short protein forms Q182H.
Identifiers: ClinVar variation 1034593 (VCV001034593.4), dbSNP rs747959167, ClinGen allele CA8401608.